The following is an entry in ClinVar:

ClinVar aggregate classification (germline): Pathogenic. Review status: criteria provided, multiple submitters, no conflicts (2 of 4 stars). 2 submissions from 2 submitters: Pathogenic (2). Last evaluated 2024-08-28.

Conditions:
Recessive dystrophic epidermolysis bullosa (RDEB). Also called: DYSTROPHIC EPIDERMOLYSIS BULLOSA, AUTOSOMAL RECESSIVE; EPIDERMOLYSIS BULLOSA DYSTROPHICA, HALLOPEAU-SIEMENS TYPE; Epidermolysis Bullosa Distrophica Autosomal Recessive (RDEB); epidermolysis bullosa dystrophica, autosomal recessive; Hallopeau-Siemens Disease; severe generalized recessive dystrophic epidermolysis bullosa. Identifiers: Orphanet 79408, Orphanet 79409, MedGen C0079474, MONDO:0009179, OMIM 226600.

Allele frequency attached by ClinVar (database versions not stated): TOPMed below 0.00001.

Submissions (2):

Myriad Genetics, Inc.
Classification: Pathogenic for Recessive dystrophic epidermolysis bullosa. Last evaluated: 2024-08-28. Review status: criteria provided, single submitter. Criteria: Myriad Autosomal Dominant, Autosomal Recessive and X-Linked Classification Criteria (2023). Collection method: clinical testing. Allele origin: unknown.
Comment: NM_000094.3(COL7A1):c.1112_1118dup7(P375Afs*12) is expected to be pathogenic in the context of dystrophic epidermolysis bullosa. This variant is predicted to lead to an abnormal or absent protein product due to the creation of a premature termination codon in COL7A1, a gene where loss-of-function variants are known to be pathogenic. Please note: this variant was assessed in the context of healthy population screening.

Labcorp Genetics (formerly Invitae), Labcorp
Classification: Pathogenic. Last evaluated: 2023-10-17. Review status: criteria provided, single submitter. Criteria: Invitae Variant Classification Sherloc (09022015). Collection method: clinical testing. Allele origin: germline.
Comment: This sequence change creates a premature translational stop signal (p.Pro375Alafs*12) in the COL7A1 gene. It is expected to result in an absent or disrupted protein product. Loss-of-function variants in COL7A1 are known to be pathogenic (PMID: 16971478). This variant is not present in population databases (gnomAD no frequency). This variant has not been reported in the literature in individuals affected with COL7A1-related conditions. For these reasons, this variant has been classified as Pathogenic.

Literature cited by the submitters: PubMed 16971478 (cited by Labcorp Genetics (formerly Invitae), Labcorp).

NM_000094.4(COL7A1):c.1112_1118dup (p.Pro375fs)

Gene: COL7A1 (collagen type VII alpha 1 chain; minus strand). Cytogenetic location: 3p21.31.
Variant type: Duplication.
Coding change: c.1112_1118dup on transcript NM_000094.4 (MANE Select); coding-DNA positions 1112 to 1118, 7 bases duplicated (AGGAGCT; older notation c.1112_1118dupAGGAGCT).
Protein change: p.Pro375fs; shifts the reading frame from proline 375.
Molecular consequence: frameshift variant.
Genome position (GRCh38, 1-based): chr3:48,592,224-48,592,230, AGCTCCT duplicated on the plus strand (AGGAGCT on the coding strand, the reverse complement: COL7A1 is on the minus strand). VCF-style (leftmost placement, unchanged base first): chr3-48592223-C-CAGCTCCT. GRCh37 (hg19) VCF-style: chr3-48629656-C-CAGCTCCT.
Other names: short protein forms P375fs.
Identifiers: ClinVar variation 2769324 (VCV002769324.4), dbSNP rs1262652123, ClinGen allele CA907758277.